The following is an entry in ClinVar:

ClinVar aggregate classification (germline): Pathogenic/Likely pathogenic. Review status: criteria provided, multiple submitters, no conflicts (2 of 4 stars). 6 submissions from 6 submitters: Pathogenic (4); Likely pathogenic (1). 1 of the submissions does not count toward it. Last evaluated 2025-06-18.

Conditions:
Maple syrup urine disease type 1A (MSUD1A). Also called: MSUD type 1A. Identifiers: MedGen C1855369, MONDO:0023691, OMIM 248600.
Maple syrup urine disease type 1B (MSUD1B). Also called: MSUD type IB; MSUD type 3 (formerly); MSUD due to deficiency of e1-beta subunit of branched-chain alpha-keto acid dehydrogenase complex. Identifiers: MedGen C2930990, MONDO:0023692, OMIM 620698.
Maple syrup urine disease (MSUD). Identifiers: Orphanet 511, MedGen C0024776, MeSH D008375, MONDO:0009563. Disease mechanism: loss of function.

gnomAD v4.1: 24 of 1,607,824 alleles (0.0015%); highest among the groups gnomAD compares: Non-Finnish European, 0.002%; no homozygotes.

Submissions (6):

Natera, Inc.
Classification: Likely pathogenic for Maple syrup urine disease type 1B. Last evaluated: 2025-06-18. Review status: criteria provided, single submitter. Criteria: Natera Variant Classification Schema (03/2026). Collection method: clinical testing. Allele origin: germline.
Comment: The c.342T>G variant in BCKDHB is a nonsense variant predicted to introduce a stop codon at amino acid 114. This variant is expected to result in nonsense mediated decay, truncation, or a dysfunctional protein product. This variant is rare in the general population with a frequency below the threshold expected for the associated phenotype(s). Given the available evidence, this variant is classified as Likely Pathogenic.

Baylor Genetics
Classification: Pathogenic for Maple syrup urine disease type 1A. Last evaluated: 2023-11-04. Review status: criteria provided, single submitter. Criteria: ACMG Guidelines, 2015. Collection method: clinical testing. Allele origin: unknown.

Labcorp Genetics (formerly Invitae), Labcorp
Classification: Pathogenic for Maple syrup urine disease. Last evaluated: 2023-06-12. Review status: criteria provided, single submitter. Criteria: Invitae Variant Classification Sherloc (09022015). Collection method: clinical testing. Allele origin: germline.
Comment: This sequence change creates a premature translational stop signal (p.Tyr114*) in the BCKDHB gene. It is expected to result in an absent or disrupted protein product. Loss-of-function variants in BCKDHB are known to be pathogenic (PMID: 16786533, 22593002). This variant is present in population databases (rs398124573, gnomAD 0.0009%). This variant has not been reported in the literature in individuals affected with BCKDHB-related conditions. ClinVar contains an entry for this variant (Variation ID: 96579). For these reasons, this variant has been classified as Pathogenic.

Genome-Nilou Lab
Classification: Pathogenic for Maple syrup urine disease type 1A. Last evaluated: 2021-11-07. Review status: criteria provided, single submitter. Criteria: ACMG Guidelines, 2015. Collection method: clinical testing. Allele origin: germline. Affected: no.

Eurofins Ntd Llc (ga)
Classification: Pathogenic. Last evaluated: 2013-10-01. Review status: criteria provided, single submitter. Criteria: EGL Classification Definitions. Collection method: clinical testing. Allele origin: germline. Observed: 1 variant allele, 1 heterozygote.

Counsyl
Classification: Likely pathogenic for Maple syrup urine disease type 1A. Last evaluated: 2016-04-27. Review status: no assertion criteria provided. Collection method: clinical testing. Allele origin: unknown. Not counted in ClinVar's aggregate classification.

Literature cited by the submitters: PubMed 16786533 (cited by Labcorp Genetics (formerly Invitae), Labcorp); PubMed 22593002 (cited by Labcorp Genetics (formerly Invitae), Labcorp).

NM_183050.4(BCKDHB):c.342T>G (p.Tyr114Ter)

Gene: BCKDHB (branched chain keto acid dehydrogenase E1 subunit beta; plus strand). Cytogenetic location: 6q14.1.
Variant type: single nucleotide variant.
Coding change: c.342T>G on transcript NM_183050.4 (MANE Select); coding-DNA position 342, T replaced by G.
Protein change: p.Tyr114Ter; replaces tyrosine 114 with a stop codon.
Molecular consequence: nonsense. On other transcripts: non-coding transcript variant (1).
Genome position (GRCh38, 1-based): chr6:80,129,228, T>G. VCF-style: chr6-80129228-T-G. GRCh37 (hg19) VCF-style: chr6-80838945-T-G.
Other names: c.342T>G, p.Tyr114Ter (NM_000056.5); c.132T>G, p.Tyr44Ter (NM_001318975.1); c.342T>G (NM_183050.3); short protein forms Y114*, Y44*.
Identifiers: ClinVar variation 96579 (VCV000096579.18), dbSNP rs398124573, ClinGen allele CA224273.